The following is an entry in ClinVar:

NM_031448.6(C19orf12):c.267del (p.Phe89fs)

Gene: C19orf12 (chromosome 19 open reading frame 12; minus strand). Cytogenetic location: 19q12.
Variant type: Deletion.
Coding change: c.267del on transcript NM_031448.6 (MANE Select); coding-DNA position 267, one base deleted (T; older notation c.267delT).
Protein change: p.Phe89fs; shifts the reading frame from phenylalanine 89.
Molecular consequence: frameshift variant.
Genome position (GRCh38, 1-based): chr19:29,702,871, A deleted on the plus strand (T on the coding strand, the reverse complement: C19orf12 is on the minus strand); the first of 3 consecutive A bases (chr19:29,702,871-29,702,873); deleting any one gives the same sequence. VCF-style (leftmost placement, unchanged base first): chr19-29702870-TA-T. GRCh37 (hg19) VCF-style: chr19-30193777-TA-T.
Other names: c.267del, p.Phe89fs (NM_001031726.4, NM_001256046.3, NM_001256047.2); c.75del, p.Phe25fs (NM_001282929.1, NM_001282930.3, NM_001282931.3); c.267delT (NM_001031726.4); c.300delT (NM_001031726.3); short protein forms F25fs, F89fs.
Identifiers: ClinVar variation 2577335 (VCV002577335.3), dbSNP rs2513280986, ClinGen allele CA2580060373.

ClinVar aggregate classification (germline): Pathogenic. Review status: criteria provided, single submitter (1 of 4 stars). 2 submissions from 2 submitters: Pathogenic (1). 1 of the submissions does not count toward it. Last evaluated 2023-07-12.

Conditions:
Neurodegeneration with brain iron accumulation (NBIA). Identifiers: Orphanet 385, MedGen C2931845, MONDO:0018307.
C19orf12-related disorder. Also called: C19orf12-related condition.

Submissions (2):

Women's Health and Genetics/Laboratory Corporation of America, LabCorp
Classification: Pathogenic for Neurodegeneration with brain iron accumulation. Last evaluated: 2023-07-12. Review status: criteria provided, single submitter. Criteria: LabCorp Variant Classification Summary - May 2015. Collection method: clinical testing. Allele origin: germline.
Comment: Variant summary: C19orf12 c.267delT (p.Phe89LeufsX19) results in a premature termination codon, predicted to cause a truncation of the encoded protein, which is a commonly known mechanism for disease. At least one variant downstream of this position (c.371dup/p.Met124fsX17, Variation ID: 634443 in ClinVar) has been reported at a homozygous state in at-least one individual affected with autosomal recessive neurodegeneration (PMID: 23166001) and was therefore determined to be pathogenic. The current variant was absent in 250552 control chromosomes in gnomAD. Heterozygous c.267delT, described as c.300delT in NM_001031726.3, has been reported in the literature in an individual affected with features of Neurodegeneration With Brain Iron Accumulation (example: Gregory_2019). These data indicate that the variant is very likely associated with disease. To our knowledge, no experimental evidence demonstrating an impact on protein function has been reported. The following publication have been ascertained in the context of this evaluation (PMID: 31087512). No submitters have cited clinical-significance assessments for this variant to ClinVar after 2014. Based on the evidence outlined above, the variant was classified as pathogenic.

PreventionGenetics, part of Exact Sciences
Classification: Likely pathogenic for C19orf12-related condition. Last evaluated: 2024-02-14. Review status: no assertion criteria provided. Collection method: clinical testing. Allele origin: germline. Not counted in ClinVar's aggregate classification.
Comment: The C19orf12 c.300delT variant is predicted to result in a frameshift and premature protein termination (p.Phe100Leufs*19). This variant was reported in the heterozygous state in an individual with mitochondrial membrane protein-associated neurodegeneration (Gregory et al. 2019. PubMed ID: 31087512). This variant has not been reported in a large population database, indicating it is rare. Frameshift variants in C19orf12 are expected to be pathogenic. This variant is interpreted as likely pathogenic.

Literature cited by the submitters: PubMed 31087512 (cited by Women's Health and Genetics/Laboratory Corporation of America, LabCorp).